The following is an entry in ClinVar:

ClinVar aggregate classification (germline): Conflicting classifications of pathogenicity. Review status: criteria provided, conflicting classifications (1 of 4 stars). 2 submissions from 2 submitters: Uncertain significance (1); Likely benign (1). Last evaluated 2025-03-30.

Conditions:
Long QT syndrome (LQTS). Identifiers: MedGen C0023976, MeSH D008133, MONDO:0002442. Disease mechanism: loss of function. Inheritance: Various modes of inheritance.
Cardiovascular phenotype. Identifiers: MedGen CN230736.

Allele frequency attached by ClinVar (database versions not stated): ExAC 0.00001; gnomAD exomes 0.00001 and 0.00002; TOPMed 0.00002; gnomAD 0.00004.
gnomAD v4.1: 15 of 1,612,118 alleles (0.00093%); highest among the groups gnomAD compares: African/African-American, 0.011%; no homozygotes.

Submissions (2):

Labcorp Genetics (formerly Invitae), Labcorp
Classification: Likely benign for Long QT syndrome. Last evaluated: 2025-03-30. Review status: criteria provided, single submitter. Criteria: Invitae Variant Classification Sherloc (09022015). Collection method: clinical testing. Allele origin: germline.

Ambry Genetics
Classification: Uncertain significance for Cardiovascular phenotype. Last evaluated: 2022-05-03. Review status: criteria provided, single submitter. Criteria: Ambry Variant Classification Scheme 2023. Collection method: clinical testing. Allele origin: germline.
Comment: The p.V939A variant (also known as c.2816T>C), located in coding exon 21 of the CACNA1C gene, results from a T to C substitution at nucleotide position 2816. The valine at codon 939 is replaced by alanine, an amino acid with similar properties. According to data from gnomAD, the frequency for this variant is above the maximum credible frequency for a cardiac disease-causing variant in this gene based on internally established thresholds (Karczewski et al. Nature. 2020 May;581(7809):434-443; Whiffin et al. Genet Med. 2017 10;19:1151-1158). This amino acid position is not well conserved in available vertebrate species. In addition, the in silico prediction for this alteration is inconclusive. Based on the supporting evidence, the association of this alteration with CACNA1C-related neurodevelopmental disorder is unknown; however, the association with CACNA1C-related Timothy syndrome or long QT syndrome is unlikely.

NM_000719.7(CACNA1C):c.2816T>C (p.Val939Ala)

Gene: CACNA1C (calcium voltage-gated channel subunit alpha1 C; plus strand). Cytogenetic location: 12p13.33.
Variant type: single nucleotide variant.
Coding change: c.2816T>C on transcript NM_000719.7 (MANE Select); coding-DNA position 2816, T replaced by C.
Protein change: p.Val939Ala; replaces valine 939 with alanine.
Molecular consequence: missense variant. On other transcripts: intron variant (8).
Genome position (GRCh38, 1-based): chr12:2,597,252, T>C. VCF-style: chr12-2597252-T-C. GRCh37 (hg19) VCF-style: chr12-2706418-T-C.
Other names: c.2816T>C, p.Val939Ala (NM_001129827.2, NM_001129829.2, NM_001129831.2 and 10 more transcripts); c.2807T>C, p.Val936Ala (NM_001129844.2); c.2794-185T>C (NM_001129840.2, NM_001129836.2, NM_001129841.2 and 5 more transcripts); short protein forms V939A, V936A.
Identifiers: ClinVar variation 947903 (VCV000947903.9), dbSNP rs754495060, ClinGen allele CA6389059.